The following is an entry in ClinVar:

NM_020297.4(ABCC9):c.3669G>C (p.Thr1223=)

Genes: ABCC9 (ATP binding cassette subfamily C member 9; minus strand), KCNJ8-AS1 (KCNJ8 antisense RNA 1; plus strand). Cytogenetic location: 12p12.1.
Variant type: single nucleotide variant.
Coding change: c.3669G>C on transcript NM_020297.4 (MANE Select); coding-DNA position 3669, G replaced by C.
Protein change: p.Thr1223=; no amino-acid change (threonine 1223 retained).
Molecular consequence: synonymous variant.
Genome position (GRCh38, 1-based): chr12:21,828,958, C>G on the plus strand (G>C on the coding strand, the complement: ABCC9 is on the minus strand). VCF-style: chr12-21828958-C-G. GRCh37 (hg19) VCF-style: chr12-21981892-C-G.
Other names: c.3669G>C, p.Thr1223= (NM_001377273.1, NM_005691.4); c.2802G>C, p.Thr934= (NM_001377274.1).
Identifiers: ClinVar variation 4998141 (VCV004998141.1).

ClinVar aggregate classification (germline): Uncertain significance (1 of 4 stars; one submission).

Conditions:
ABCC9-related disorder. Also called: ABCC9-related disorders; ABCC9-related condition.

gnomAD v4.1: 1 of 1,612,384 alleles (0.000062%); highest among the groups gnomAD compares: Non-Finnish European, 0.000085%; no homozygotes.

Submission:

PreventionGenetics, part of Exact Sciences
Classification: Uncertain significance for ABCC9-related condition. Last evaluated: 2025-05-29. Review status: criteria provided, single submitter. Criteria: ACMG Guidelines, 2015. Collection method: clinical testing. Allele origin: germline.
Comment: The ABCC9 c.3669G>C variant is not predicted to result in an amino acid change (p.=). To our knowledge, this variant has not been reported in the literature or in a large population database (gnomAD), indicating this variant is rare. At this time, the clinical significance of this variant is uncertain due to the absence of conclusive functional and genetic evidence.